The following is an entry in ClinVar:

NM_001395002.1(MAP4K4):c.3590C>G (p.Pro1197Arg)

Gene: MAP4K4 (mitogen-activated protein kinase kinase kinase kinase 4; plus strand). Cytogenetic location: 2q11.2.
Variant type: single nucleotide variant.
Coding change: c.3590C>G on transcript NM_001395002.1 (MANE Select); coding-DNA position 3590, C replaced by G.
Protein change: p.Pro1197Arg; replaces proline 1197 with arginine.
Molecular consequence: missense variant. On other transcripts: non-coding transcript variant (4).
Genome position (GRCh38, 1-based): chr2:101,885,256, C>G. VCF-style: chr2-101885256-C-G. GRCh37 (hg19) VCF-style: chr2-102501718-C-G.
Other names: c.3395C>G, p.Pro1132Arg (NM_001384553.1); c.3107C>G, p.Pro1036Arg (NM_001384554.1); c.3401C>G, p.Pro1134Arg (NM_001384555.1); c.3200C>G, p.Pro1067Arg (NM_001384556.1); c.3308C>G, p.Pro1103Arg (NM_001384567.1); c.3209C>G, p.Pro1070Arg (NM_001384572.1); c.2909C>G, p.Pro970Arg (NM_004834.5); c.3257C>G, p.Pro1086Arg (NM_145686.4); and 39 more; short protein forms P1001R, P1002R, P1013R, P1016R, P1025R, P1026R, P1035R, P1036R.
Identifiers: ClinVar variation 3899673 (VCV003899673.1).
Genomic context (GRCh38, chr2:101,885,256, plus strand): 5'-AAAGAATCAAATTTCTGGTGATTGCTTTGAAGAGTTCTGTGGAAGTCTATGCGTGGGCAC[C>G]AAAGCCATATCACAAATTTATGGCCTTTAAGGTAACAACATCAAGTGAATTTAAAAGTAG-3'
Protein context (NP_001381931.1, residues 1187-1207): KSSVEVYAWA[Pro1197Arg]KPYHKFMAFK

ClinVar aggregate classification (germline): Uncertain significance (1 of 4 stars; one submission).

Submission:

GeneDx
Classification: Uncertain significance. Last evaluated: 2024-11-15. Review status: criteria provided, single submitter. Criteria: GeneDx Variant Classification Process June 2021. Collection method: clinical testing. Allele origin: germline. Affected: yes.
Comment: Not observed at significant frequency in large population cohorts (gnomAD); In silico analysis supports that this missense variant has a deleterious effect on protein structure/function; Has not been previously published as pathogenic or benign to our knowledge